The following is an entry in ClinVar:

ClinVar aggregate classification (germline): Uncertain significance. Review status: criteria provided, multiple submitters, no conflicts (2 of 4 stars). 2 submissions from 2 submitters: Uncertain significance (2). Last evaluated 2024-10-28.

Conditions:
Immunodeficiency 19 (IMD19). Also called: IMMUNODEFICIENCY 19, SEVERE COMBINED; CD3-DELTA DEFICIENCY; SEVERE COMBINED IMMUNODEFICIENCY, T CELL-NEGATIVE, B CELL-POSITIVE, NK CELL-POSITIVE; SCID, T CELL-NEGATIVE, B CELL-POSITIVE, NK CELL-POSITIVE. Identifiers: MedGen C3810147, MONDO:0014280, OMIM 615617.

gnomAD v4.1: 9 of 1,614,092 alleles (0.00056%); highest among the groups gnomAD compares: Non-Finnish European, 0.00076%; no homozygotes.

Submissions (2):

Labcorp Genetics (formerly Invitae), Labcorp
Classification: Uncertain significance for Immunodeficiency 19. Last evaluated: 2024-10-28. Review status: criteria provided, single submitter. Criteria: Invitae Variant Classification Sherloc (09022015). Collection method: clinical testing. Allele origin: germline.
Comment: This sequence change replaces glutamic acid, which is acidic and polar, with lysine, which is basic and polar, at codon 83 of the CD3D protein (p.Glu83Lys). This variant is not present in population databases (gnomAD no frequency). This variant has not been reported in the literature in individuals affected with CD3D-related conditions. ClinVar contains an entry for this variant (Variation ID: 842296). An algorithm developed to predict the effect of missense changes on protein structure and function outputs the following: PolyPhen-2: "Benign". The lysine amino acid residue is found in multiple mammalian species, which suggests that this missense change does not adversely affect protein function. In summary, the available evidence is currently insufficient to determine the role of this variant in disease. Therefore, it has been classified as a Variant of Uncertain Significance.

Illumina Laboratory Services, Illumina
Classification: Uncertain significance for Immunodeficiency 19. Last evaluated: 2018-02-09. Review status: criteria provided, single submitter. Criteria: ICSL Variant Classification Criteria 13 December 2019. Collection method: clinical testing. Allele origin: germline.

NM_000732.6(CD3D):c.247G>A (p.Glu83Lys)

Gene: CD3D (CD3 delta subunit of T-cell receptor complex; minus strand). Cytogenetic location: 11q23.3.
Variant type: single nucleotide variant.
Coding change: c.247G>A on transcript NM_000732.6 (MANE Select); coding-DNA position 247, G replaced by A.
Protein change: p.Glu83Lys; replaces glutamic acid 83 with lysine.
Molecular consequence: missense variant.
Genome position (GRCh38, 1-based): chr11:118,340,402, C>T on the plus strand (G>A on the coding strand, the complement: CD3D is on the minus strand). VCF-style: chr11-118340402-C-T. GRCh37 (hg19) VCF-style: chr11-118211117-C-T.
Other names: c.247G>A, p.Glu83Lys (NM_001040651.2); short protein forms E83K.
Identifiers: ClinVar variation 842296 (VCV000842296.12), dbSNP rs201889742, ClinGen allele CA229522683.